The following is an entry in ClinVar:

NM_031407.7(HUWE1):c.4594C>A (p.Leu1532Ile)

Gene: HUWE1 (HECT, UBA and WWE domain containing E3 ubiquitin protein ligase 1; minus strand). Cytogenetic location: Xp11.22.
Variant type: single nucleotide variant.
Coding change: c.4594C>A on transcript NM_031407.7 (MANE Select); coding-DNA position 4594, C replaced by A.
Protein change: p.Leu1532Ile; replaces leucine 1532 with isoleucine.
Molecular consequence: missense variant.
Genome position (GRCh38, 1-based): chrX:53,588,402, G>T on the plus strand (C>A on the coding strand, the complement: HUWE1 is on the minus strand). VCF-style: chrX-53588402-G-T. GRCh37 (hg19) VCF-style: chrX-53615362-G-T.
Other names: short protein forms L1532I.
Identifiers: ClinVar variation 3615044 (VCV003615044.2).

ClinVar aggregate classification (germline): Uncertain significance (1 of 4 stars; one submission).

gnomAD v4.1: 1 of 1,208,160 alleles (0.000083%); highest among the groups gnomAD compares: African/African-American, 0.0018%; no homozygotes.

Submission:

Labcorp Genetics (formerly Invitae), Labcorp
Classification: Uncertain significance. Last evaluated: 2024-07-07. Review status: criteria provided, single submitter. Criteria: Invitae Variant Classification Sherloc (09022015). Collection method: clinical testing. Allele origin: germline.
Comment: This sequence change replaces leucine, which is neutral and non-polar, with isoleucine, which is neutral and non-polar, at codon 1532 of the HUWE1 protein (p.Leu1532Ile). The frequency data for this variant in the population databases is considered unreliable, as metrics indicate poor data quality at this position in the gnomAD database. This variant has not been reported in the literature in individuals affected with HUWE1-related conditions. Advanced modeling of protein sequence and biophysical properties (such as structural, functional, and spatial information, amino acid conservation, physicochemical variation, residue mobility, and thermodynamic stability) has been performed at Invitae for this missense variant, however the output from this modeling did not meet the statistical confidence thresholds required to predict the impact of this variant on HUWE1 protein function. In summary, the available evidence is currently insufficient to determine the role of this variant in disease. Therefore, it has been classified as a Variant of Uncertain Significance.